The following is an entry in ClinVar:

ClinVar aggregate classification (germline): Benign. Review status: criteria provided, multiple submitters, no conflicts (2 of 4 stars). 2 submissions from 2 submitters: Benign (2). Last evaluated 2018-01-12.

Conditions:
Stuve-Wiedemann syndrome (STWS). Also called: Stüve-Wiedemann syndrome. Identifiers: Orphanet 3206, MedGen C0796176, MONDO:0031280.

Allele frequency attached by ClinVar (database versions not stated): gnomAD exomes 0.00688; gnomAD 0.03512 and 0.03708; TOPMed 0.04021; 1000 Genomes Project 0.04293; 1000 Genomes Project 30x 0.04544.
gnomAD v4.1: 5,790 of 214,846 alleles (2.7%); highest among the groups gnomAD compares: African/African-American, 12%; 312 homozygotes.

Submissions (2):

Illumina Laboratory Services, Illumina
Classification: Benign for Stüve-Wiedemann syndrome 1. Last evaluated: 2018-01-12. Review status: criteria provided, single submitter. Criteria: ICSL Variant Classification Criteria 13 December 2019. Collection method: clinical testing. Allele origin: germline.
Comment: This variant was observed in the ICSL laboratory as part of a predisposition screen in an ostensibly healthy population. It had not been previously curated by ICSL or reported in the Human Gene Mutation Database (HGMD: prior to June 1st, 2018), and was therefore a candidate for classification through an automated scoring system. Utilizing variant allele frequency, disease prevalence and penetrance estimates, and inheritance mode, an automated score was calculated to assess if this variant is too frequent to cause the disease. Based on the score and internal cut-off values, a variant classified as benign is not then subjected to further curation. The score for this variant resulted in a classification of benign for this disease.

Breakthrough Genomics
Classification: Benign. Review status: criteria provided, single submitter. Criteria: ACMG Guidelines, 2015. Collection method: not provided. Allele origin: germline. Inheritance: Autosomal recessive inheritance. Affected: yes.

NM_001127671.2(LIFR):c.*4243A>G

Gene: LIFR (LIF receptor subunit alpha; minus strand). Cytogenetic location: 5p13.1.
Variant type: single nucleotide variant.
Coding change: c.*4243A>G on transcript NM_001127671.2 (MANE Select); 4243 bases downstream of the stop codon, A replaced by G.
Molecular consequence: 3 prime UTR variant.
Genome position (GRCh38, 1-based): chr5:38,477,352, T>C on the plus strand (A>G on the coding strand, the complement: LIFR is on the minus strand). VCF-style: chr5-38477352-T-C. GRCh37 (hg19) VCF-style: chr5-38477454-T-C.
Other names: c.*4243A>G (NM_001364297.2, NM_001364298.2, NM_002310.6).
Identifiers: ClinVar variation 353554 (VCV000353554.6), dbSNP rs73749255, ClinGen allele CA10624765.
Genomic context (GRCh38, chr5:38,477,352, plus strand): 5'-CTAAGTCTAAAAGATGAATGTTCTGTAACTTTGGCCATAAATCATTTTCTTCTATGAAAA[T>C]TTTCTTCTAGAATAAATAAGATGGGCATGACAGCATGAAACTTCATTTCAGCAGGAAATA-3'